The following is an entry in ClinVar:

ClinVar aggregate classification (germline): Uncertain significance (0 of 4 stars; one submission).

Conditions:
Fanconi anemia complementation group A (FANCA). Also called: Fanconi anemia, group A; FANCA-Related Fanconi Anemia. Identifiers: Orphanet 84, MedGen C3469521, MONDO:0009215, OMIM 227650.

Submission:

Leiden Open Variation Database
Classification: Uncertain significance for Fanconi anemia complementation group A. Last evaluated: 2020-02-28. Review status: no assertion criteria provided. Collection method: curation. Allele origin: germline. Affected: yes.
Comment: Curator: Arleen D. Auerbach. Submitter to LOVD: Arleen D. Auerbach.

NC_000016.10:g.(89748768_89749729)_(89765067_89767140)del

Gene: FANCA (FA complementation group A; minus strand). Cytogenetic location: 16q24.3.
Variant type: Deletion.
Identifiers: ClinVar variation 974245 (VCV000974245.1).